The following is an entry in ClinVar:

NM_017617.5(NOTCH1):c.7198G>A (p.Ala2400Thr)

Gene: NOTCH1 (notch receptor 1; minus strand). Cytogenetic location: 9q34.3.
Variant type: single nucleotide variant.
Coding change: c.7198G>A on transcript NM_017617.5 (MANE Select); coding-DNA position 7198, G replaced by A.
Protein change: p.Ala2400Thr; replaces alanine 2400 with threonine.
Molecular consequence: missense variant.
Genome position (GRCh38, 1-based): chr9:136,496,541, C>T on the plus strand (G>A on the coding strand, the complement: NOTCH1 is on the minus strand). VCF-style: chr9-136496541-C-T. GRCh37 (hg19) VCF-style: chr9-139390993-C-T.
Other names: short protein forms A2400T.
Identifiers: ClinVar variation 1357004 (VCV001357004.6), dbSNP rs1842917839, ClinGen allele CA375627714.

ClinVar aggregate classification (germline): Uncertain significance (1 of 4 stars; one submission).

Conditions:
Adams-Oliver syndrome 5 (AOS5). Identifiers: Orphanet 974, MedGen C4014970, MONDO:0014459, OMIM 616028.

Allele frequency attached by ClinVar (database versions not stated): gnomAD exomes below 0.00001; TOPMed below 0.00001.
gnomAD v4.1: 3 of 1,608,356 alleles (0.00019%); highest among the groups gnomAD compares: East Asian, 0.0022%; no homozygotes.

Submission:

Labcorp Genetics (formerly Invitae), Labcorp
Classification: Uncertain significance for Adams-Oliver syndrome 5. Last evaluated: 2025-01-20. Review status: criteria provided, single submitter. Criteria: Invitae Variant Classification Sherloc (09022015). Collection method: clinical testing. Allele origin: germline.
Comment: This sequence change replaces alanine, which is neutral and non-polar, with threonine, which is neutral and polar, at codon 2400 of the NOTCH1 protein (p.Ala2400Thr). This variant is not present in population databases (gnomAD no frequency). This variant has not been reported in the literature in individuals affected with NOTCH1-related conditions. ClinVar contains an entry for this variant (Variation ID: 1357004). Invitae Evidence Modeling of protein sequence and biophysical properties (such as structural, functional, and spatial information, amino acid conservation, physicochemical variation, residue mobility, and thermodynamic stability) indicates that this missense variant is not expected to disrupt NOTCH1 protein function with a negative predictive value of 80%. In summary, the available evidence is currently insufficient to determine the role of this variant in disease. Therefore, it has been classified as a Variant of Uncertain Significance.